The following is an entry in ClinVar:

ClinVar aggregate classification (germline): Uncertain significance (1 of 4 stars; one submission).

gnomAD v4.1: 2 of 1,614,100 alleles (0.00012%); highest among the groups gnomAD compares: Admixed American, 0.0017%; no homozygotes.

Submission:

GeneDx
Classification: Uncertain significance. Last evaluated: 2023-12-21. Review status: criteria provided, single submitter. Criteria: GeneDx Variant Classification Process June 2021. Collection method: clinical testing. Allele origin: germline. Affected: yes.
Comment: Not observed at significant frequency in large population cohorts (gnomAD); In silico analysis supports that this missense variant does not alter protein structure/function; Has not been previously published as pathogenic or benign to our knowledge

NM_012154.5(AGO2):c.1222G>A (p.Val408Met)

Gene: AGO2 (argonaute RISC catalytic component 2; minus strand). Cytogenetic location: 8q24.3.
Variant type: single nucleotide variant.
Coding change: c.1222G>A on transcript NM_012154.5 (MANE Select); coding-DNA position 1222, G replaced by A.
Protein change: p.Val408Met; replaces valine 408 with methionine.
Molecular consequence: missense variant.
Genome position (GRCh38, 1-based): chr8:140,555,943, C>T on the plus strand (G>A on the coding strand, the complement: AGO2 is on the minus strand). VCF-style: chr8-140555943-C-T. GRCh37 (hg19) VCF-style: chr8-141566042-C-T.
Other names: c.1222G>A, p.Val408Met (NM_001164623.3); short protein forms V408M.
Identifiers: ClinVar variation 3370250 (VCV003370250.1).
Genomic context (GRCh38, chr8:140,555,943, plus strand): 5'-GCCCCACACGTACCCTGCCCCCGTAGAGGATGGAGGGCGGCTGCAGCACCCGCCCAGTCA[C>T]GTCTGTCATCTCATCTTTGACCATGATTCCAAATTCACGGACGTATGGATCTGTGTTGAA-3'
Protein context (NP_036286.2, residues 398-418): GIMVKDEMTD[Val408Met]TGRVLQPPSI